The following is an entry in ClinVar:

NM_015001.3(SPEN):c.1379G>A (p.Arg460His)

Gene: SPEN (spen family transcriptional repressor; plus strand). Cytogenetic location: 1p36.13.
Variant type: single nucleotide variant.
Coding change: c.1379G>A on transcript NM_015001.3 (MANE Select); coding-DNA position 1379, G replaced by A.
Protein change: p.Arg460His; replaces arginine 460 with histidine.
Molecular consequence: missense variant.
Genome position (GRCh38, 1-based): chr1:15,916,263, G>A. VCF-style: chr1-15916263-G-A. GRCh37 (hg19) VCF-style: chr1-16242758-G-A.
Other names: short protein forms R460H.
Identifiers: ClinVar variation 4881772 (VCV004881772.2).

ClinVar aggregate classification (germline): Uncertain significance (1 of 4 stars; one submission).

Conditions:
Radio-Tartaglia syndrome. Identifiers: Orphanet 662234, MedGen C5543339, MONDO:0859143, OMIM 619312.

gnomAD v4.1: 3 of 1,610,470 alleles (0.00019%); highest among the groups gnomAD compares: Middle Eastern, 0.017%; no homozygotes.

Submission:

Dasa
Classification: Uncertain significance for Radio-Tartaglia syndrome. Last evaluated: 2026-01-03. Review status: criteria provided, single submitter. Criteria: DASA Assertion Criteria. Collection method: clinical testing. Allele origin: germline.
Comment: NM_015001.3(SPEN):c.1379G>A (p.Arg460His) is a missense variant that results in the substitution of arginine with histidine. This variant is rare in population databases. The currently available literature and clinical evidence are not sufficient to establish a definitive association between this variant and the reported condition. Therefore, this variant is classified as a variant of uncertain significance.